The following is an entry in ClinVar:

ClinVar aggregate classification (germline): Uncertain significance (1 of 4 stars; one submission).

gnomAD v4.1: 1 of 1,613,008 alleles (0.000062%); no homozygotes.

Submission:

GeneDx
Classification: Uncertain significance. Last evaluated: 2023-12-20. Review status: criteria provided, single submitter. Criteria: GeneDx Variant Classification Process June 2021. Collection method: clinical testing. Allele origin: germline. Affected: yes.
Comment: Not observed at significant frequency in large population cohorts (gnomAD); In silico analysis supports that this missense variant does not alter protein structure/function; Has not been previously published as pathogenic or benign to our knowledge

NM_000127.3(EXT1):c.1420T>G (p.Leu474Val)

Gene: EXT1 (exostosin glycosyltransferase 1; minus strand). Cytogenetic location: 8q24.11.
Variant type: single nucleotide variant.
Coding change: c.1420T>G on transcript NM_000127.3 (MANE Select); coding-DNA position 1420, T replaced by G.
Protein change: p.Leu474Val; replaces leucine 474 with valine.
Molecular consequence: missense variant.
Genome position (GRCh38, 1-based): chr8:117,819,792, A>C on the plus strand (T>G on the coding strand, the complement: EXT1 is on the minus strand). VCF-style: chr8-117819792-A-C. GRCh37 (hg19) VCF-style: chr8-118832031-A-C.
Other names: short protein forms L474V.
Identifiers: ClinVar variation 3370079 (VCV003370079.1).